The following is an entry in ClinVar:

ClinVar aggregate classification (germline): Likely benign. Review status: reviewed by expert panel (3 of 4 stars). 2 submissions from 2 submitters: Likely benign (1). 1 of the submissions does not count toward it. Last evaluated 2022-01-22.

Conditions:
Hereditary thrombocytopenia and hematologic cancer predisposition syndrome. Identifiers: Orphanet 71290, MedGen CN281654, MONDO:0011071.
Hereditary thrombocytopenia and hematological cancer predisposition syndrome associated with RUNX1. Also called: Familial Platelet Disorder with Propensity to Acute Myelogenous Leukemia; Familial thrombocytopenia with propensity to acute myelogenous leukemia; PLATELET DISORDER, ASPIRIN-LIKE; RUNX1 Familial Platelet Disorder with Associated Myeloid Malignancies. Identifiers: Orphanet 71290, MedGen C1832388, MeSH C563324, MONDO:0100083, OMIM 601399.

Allele frequency attached by ClinVar (database versions not stated): gnomAD exomes below 0.00001.
gnomAD v4.1: 1 of 1,613,388 alleles (0.000062%); highest among the groups gnomAD compares: Non-Finnish European, 0.000085%; no homozygotes.

Submissions (2):

ClinGen Myeloid Malignancy Variant Curation Expert Panel
Classification: Likely benign for Hereditary thrombocytopenia and hematologic cancer predisposition syndrome. Last evaluated: 2022-01-22. Review status: reviewed by expert panel. Criteria: ClinGen MyeloMalig ACMG Specifications v2. Collection method: curation. Allele origin: germline. Inheritance: Autosomal dominant inheritance.
Comment: This variant NM_001754.5(RUNX1):c.600C>T (p.Pro200=) is a synonymous variant. This is a synonymous variant therefore REVEL score cannot be applied but SpliceAI is ≤ 0.20 (0.00) (BP4). The PhyloP score is <2.0 (0.219) (BP7). This variant is completely absent from all population databases with at least 20x coverage for RUNX1 (PM2_supporting). In summary, this variant meets criteria to be classified as likely benign. ACMG/AMP criteria applied, as specified by the Myeloid Malignancy Variant Curation Expert Panel for RUNX1: BP4, BP7, PM2_supporting.

Labcorp Genetics (formerly Invitae), Labcorp
Classification: Likely benign for Hereditary thrombocytopenia and hematological cancer predisposition syndrome associated with RUNX1. Last evaluated: 2019-04-23. Review status: criteria provided, single submitter. Criteria: Invitae Variant Classification Sherloc (09022015). Collection method: clinical testing. Allele origin: germline. Not counted in ClinVar's aggregate classification.

NM_001754.5(RUNX1):c.600C>T (p.Pro200=)

Genes: RUNX1 (RUNX family transcription factor 1; minus strand), RUNX1-AS1 (RUNX1 antisense RNA 1; plus strand). Cytogenetic location: 21q22.12.
Variant type: single nucleotide variant.
Coding change: c.600C>T on transcript NM_001754.5 (MANE Select); coding-DNA position 600, C replaced by T.
Protein change: p.Pro200=; no amino-acid change (proline 200 retained).
Molecular consequence: synonymous variant.
Genome position (GRCh38, 1-based): chr21:34,859,487, G>A on the plus strand (C>T on the coding strand, the complement: RUNX1 is on the minus strand). VCF-style: chr21-34859487-G-A. GRCh37 (hg19) VCF-style: chr21-36231784-G-A.
Other names: NM_001754.5(RUNX1):c.600C>T; p.Pro200=; c.519C>T, p.Pro173= (NM_001001890.3, NM_001122607.2).
Identifiers: ClinVar variation 1120421 (VCV001120421.10), dbSNP rs2146234551, ClinGen allele CA512319072.